The following is an entry in ClinVar:

NM_025114.4(CEP290):c.823A>C (p.Lys275Gln)

Gene: CEP290 (centrosomal protein 290; minus strand). Cytogenetic location: 12q21.32.
Variant type: single nucleotide variant.
Coding change: c.823A>C on transcript NM_025114.4 (MANE Select); coding-DNA position 823, A replaced by C.
Protein change: p.Lys275Gln; replaces lysine 275 with glutamine.
Molecular consequence: missense variant.
Genome position (GRCh38, 1-based): chr12:88,129,723, T>G on the plus strand (A>C on the coding strand, the complement: CEP290 is on the minus strand). VCF-style: chr12-88129723-T-G. GRCh37 (hg19) VCF-style: chr12-88523500-T-G.
Other names: short protein forms K275Q.
Identifiers: ClinVar variation 2643207 (VCV002643207.24), dbSNP rs2501466037, ClinGen allele CA385984318.
Genomic context (GRCh38, chr12:88,129,723, plus strand): 5'-ATAAATAAGTTATTCTAAAAGTAATTCTTACTTGAAGTTGATAATGATCGTTTTCTTTTT[T>G]TAACTGATCTATTACATTATCTGTCTGATGCACAATAGCTTTCATTCTATTATATTCATC-3'
Protein context (NP_079390.3, residues 265-285): HQTDNVIDQL[Lys275Gln]KENDHYQLQV

ClinVar aggregate classification (germline): Uncertain significance (1 of 4 stars; one submission).

Submission:

CeGaT Center for Human Genetics Tuebingen
Classification: Uncertain significance. Last evaluated: 2022-10-01. Review status: criteria provided, single submitter. Criteria: CeGaT Center For Human Genetics Tuebingen Variant Classification Criteria Version 2. Collection method: clinical testing. Allele origin: germline. Affected: yes. Observed: 1 variant allele.
Comment: CEP290: PM2